The following is an entry in ClinVar:

ClinVar aggregate classification (germline): Conflicting classifications of pathogenicity. Review status: criteria provided, conflicting classifications (1 of 4 stars). 4 submissions from 4 submitters: Uncertain significance (2); Likely benign (2). Last evaluated 2025-07-29.

Conditions:
Hereditary breast ovarian cancer syndrome. Also called: Hereditary breast and ovarian cancer syndrome; Hereditary breast and ovarian cancer; Hereditary breast and ovarian cancer syndrome (HBOC); Breast and ovarian cancer; Hereditary breast and/or ovarian cancer syndrome; BRCA1- and BRCA2-Associated Hereditary Breast and Ovarian Cancer. Identifiers: Orphanet 145, MedGen C0677776, MeSH D061325, MONDO:0003582. Disease mechanism: loss of function.
Hereditary cancer-predisposing syndrome. Also called: Neoplastic Syndromes, Hereditary; Tumor predisposition; Hereditary neoplastic syndrome; Hereditary Cancer Syndrome. Identifiers: Orphanet 140162, MedGen C0027672, MeSH D009386, MONDO:0015356.

Allele frequency attached by ClinVar (database versions not stated): TOPMed below 0.00001; gnomAD 0.00001; gnomAD exomes 0.00002.
gnomAD v4.1: 22 of 1,613,848 alleles (0.0014%); highest among the groups gnomAD compares: African/African-American, 0.0027%; no homozygotes.

Submissions (4):

Labcorp Genetics (formerly Invitae), Labcorp
Classification: Uncertain significance for Hereditary breast ovarian cancer syndrome. Last evaluated: 2025-07-29. Review status: criteria provided, single submitter. Criteria: Invitae Variant Classification Sherloc (09022015). Collection method: clinical testing. Allele origin: germline.
Comment: This sequence change replaces cysteine, which is neutral and slightly polar, with tyrosine, which is neutral and polar, at codon 1591 of the BRCA2 protein (p.Cys1591Tyr). This variant is not present in population databases (gnomAD no frequency). This missense change has been observed in individual(s) with clinical features of BRCA2-related conditions (PMID: 21520333). ClinVar contains an entry for this variant (Variation ID: 825163). Invitae Evidence Modeling of protein sequence and biophysical properties (such as structural, functional, and spatial information, amino acid conservation, physicochemical variation, residue mobility, and thermodynamic stability) indicates that this missense variant is not expected to disrupt BRCA2 protein function with a negative predictive value of 95%. In summary, the available evidence is currently insufficient to determine the role of this variant in disease. Therefore, it has been classified as a Variant of Uncertain Significance.

Ambry Genetics
Classification: Likely benign for Hereditary cancer-predisposing syndrome. Last evaluated: 2025-03-04. Review status: criteria provided, single submitter. Criteria: Ambry Variant Classification Scheme 2023. Collection method: clinical testing. Allele origin: germline.

Color Diagnostics, LLC DBA Color Health
Classification: Uncertain significance for Hereditary cancer-predisposing syndrome. Last evaluated: 2023-12-05. Review status: criteria provided, single submitter. Criteria: ACMG Guidelines, 2015. Collection method: clinical testing. Allele origin: germline.
Comment: This missense variant replaces cysteine with tyrosine at codon 1591 of the BRCA2 protein. Computational prediction suggests that this variant may not impact protein structure and function (internally defined REVEL score threshold <= 0.5, PMID: 27666373). To our knowledge, functional studies have not been reported for this variant. This variant has not been reported in individuals affected with BRCA2-related disorders in the literature. This variant has not been identified in the general population by the Genome Aggregation Database (gnomAD). The available evidence is insufficient to determine the role of this variant in disease conclusively. Therefore, this variant is classified as a Variant of Uncertain Significance.

University of Washington Department of Laboratory Medicine, University of Washington
Classification: Likely benign for Hereditary cancer-predisposing syndrome. Last evaluated: 2023-03-23. Review status: criteria provided, single submitter. Criteria: Dines et al. (Genet Med. 2020). Collection method: curation. Allele origin: germline.
Comment: Missense variant in a coldspot region where missense variants are very unlikely to be pathogenic (PMID:31911673).

BRCA2 exon 11 coldspot. Reclassification based on statistical prior probability.

Literature cited by the submitters: PubMed 21520333 (cited by Labcorp Genetics (formerly Invitae), Labcorp).

NM_000059.4(BRCA2):c.4772G>A (p.Cys1591Tyr)

Gene: BRCA2 (BRCA2 DNA repair associated; plus strand). Cytogenetic location: 13q13.1.
Variant type: single nucleotide variant.
Coding change: c.4772G>A on transcript NM_000059.4 (MANE Select); coding-DNA position 4772, G replaced by A.
Protein change: p.Cys1591Tyr; replaces cysteine 1591 with tyrosine.
Molecular consequence: missense variant.
Genome position (GRCh38, 1-based): chr13:32,339,127, G>A. VCF-style: chr13-32339127-G-A. GRCh37 (hg19) VCF-style: chr13-32913264-G-A.
Other names: short protein forms C1591Y.
Identifiers: ClinVar variation 825163 (VCV000825163.20), dbSNP rs1555283933, ClinGen allele CA387783169.